The following is an entry in ClinVar:

ClinVar aggregate classification (germline): Uncertain significance. Review status: criteria provided, multiple submitters, no conflicts (2 of 4 stars). 2 submissions from 2 submitters: Uncertain significance (2). Last evaluated 2022-07-12.

Conditions:
Lymphoproliferative syndrome 1 (LPFS1). Identifiers: Orphanet 238505, Orphanet 538963, MedGen C3552634, MONDO:0013081, OMIM 613011.

Allele frequency attached by ClinVar (database versions not stated): ExAC 0.00002; gnomAD exomes 0.00002; gnomAD 0.00005 and 0.00006; TOPMed 0.00007; ESP Exome Variant Server 0.00008.

Submissions (2):

Labcorp Genetics (formerly Invitae), Labcorp
Classification: Uncertain significance for Lymphoproliferative syndrome 1. Last evaluated: 2022-07-12. Review status: criteria provided, single submitter. Criteria: Invitae Variant Classification Sherloc (09022015). Collection method: clinical testing. Allele origin: germline.
Comment: This sequence change replaces arginine, which is basic and polar, with cysteine, which is neutral and slightly polar, at codon 96 of the ITK protein (p.Arg96Cys). This variant is present in population databases (rs372181411, gnomAD 0.02%). This variant has not been reported in the literature in individuals affected with ITK-related conditions. ClinVar contains an entry for this variant (Variation ID: 840048). Advanced modeling of protein sequence and biophysical properties (such as structural, functional, and spatial information, amino acid conservation, physicochemical variation, residue mobility, and thermodynamic stability) performed at Invitae indicates that this missense variant is not expected to disrupt ITK protein function. In summary, the available evidence is currently insufficient to determine the role of this variant in disease. Therefore, it has been classified as a Variant of Uncertain Significance.

Blueprint Genetics
Classification: Uncertain significance. Last evaluated: 2022-01-03. Review status: criteria provided, single submitter. Criteria: ACMG Guidelines, 2015. Collection method: clinical testing. Allele origin: germline.

NM_005546.4(ITK):c.286C>T (p.Arg96Cys)

Gene: ITK (IL2 inducible T cell kinase; plus strand). Cytogenetic location: 5q33.3.
Variant type: single nucleotide variant.
Coding change: c.286C>T on transcript NM_005546.4 (MANE Select); coding-DNA position 286, C replaced by T.
Protein change: p.Arg96Cys; replaces arginine 96 with cysteine.
Molecular consequence: missense variant.
Genome position (GRCh38, 1-based): chr5:157,211,329, C>T. VCF-style: chr5-157211329-C-T. GRCh37 (hg19) VCF-style: chr5-156638340-C-T.
Other names: short protein forms R96C.
Identifiers: ClinVar variation 840048 (VCV000840048.8), dbSNP rs372181411, ClinGen allele CA3532692.
Genomic context (GRCh38, chr5:157,211,329, plus strand): 5'-CTGTGTGTGTGTCTCCAGGTGGTGCATGACAACTACCTCCTATATGTGTTTGCTCCAGAT[C>T]GTGAGAGCCGGCAGCGCTGGGTGCTGGCCCTTAAAGAAGGTAATTAAACTCCTTTGCCAT-3'
Protein context (NP_005537.3, residues 86-106): NYLLYVFAPD[Arg96Cys]ESRQRWVLAL